The following is an entry in ClinVar:

ClinVar aggregate classification (germline): Uncertain significance (1 of 4 stars; one submission).

Conditions:
Dilated cardiomyopathy 1G (CMD1G). Identifiers: Orphanet 154, MedGen C1858763, MONDO:0011400, OMIM 604145.
Autosomal recessive limb-girdle muscular dystrophy type 2J (LGMDR10). Also called: Limb-girdle muscular dystrophy, type 2J; MUSCULAR DYSTROPHY, LIMB-GIRDLE, AUTOSOMAL RECESSIVE 10. Identifiers: Orphanet 140922, MedGen C1837342, MONDO:0012127, OMIM 608807.

Submission:

Labcorp Genetics (formerly Invitae), Labcorp
Classification: Uncertain significance for Dilated cardiomyopathy 1G; Autosomal recessive limb-girdle muscular dystrophy type 2J. Last evaluated: 2022-05-13. Review status: criteria provided, single submitter. Criteria: Invitae Variant Classification Sherloc (09022015). Collection method: clinical testing. Allele origin: germline.
Comment: This variant is located in the M band of TTN (PMID: 25589632). Variants in this region may be relevant for neuromuscular disorders, but have not been definitively shown to cause cardiomyopathy (PMID: 23975875). In summary, the available evidence is currently insufficient to determine the role of this variant in disease. Therefore, it has been classified as a Variant of Uncertain Significance. Experimental studies and prediction algorithms are not available or were not evaluated, and the functional significance of this variant is currently unknown. This variant has not been reported in the literature in individuals affected with TTN-related conditions. This variant is not present in population databases (gnomAD no frequency). This sequence change replaces tyrosine, which is neutral and polar, with serine, which is neutral and polar, at codon 35357 of the TTN protein (p.Tyr35357Ser).

Literature cited by the submitters: PubMed 25589632; PubMed 23975875.

NM_001267550.2(TTN):c.106070A>C (p.Tyr35357Ser)

Genes: TTN-AS1 (TTN antisense RNA 1; plus strand), TTN (titin; minus strand), LOC129935182 (ATAC-STARR-seq lymphoblastoid active region 16807; plus strand). Cytogenetic location: 2q31.2.
Variant type: single nucleotide variant.
Coding change: c.106070A>C on transcript NM_001267550.2 (MANE Select); coding-DNA position 106070, A replaced by C.
Protein change: p.Tyr35357Ser; replaces tyrosine 35357 with serine.
Molecular consequence: missense variant.
Genome position (GRCh38, 1-based): chr2:178,530,545, T>G on the plus strand (A>C on the coding strand, the complement: TTN is on the minus strand). VCF-style: chr2-178530545-T-G. GRCh37 (hg19) VCF-style: chr2-179395272-T-G.
Other names: c.101147A>C, p.Tyr33716Ser (NM_001256850.1); c.78875A>C, p.Tyr26292Ser (NM_003319.4); c.98366A>C, p.Tyr32789Ser (NM_133378.4); c.79250A>C, p.Tyr26417Ser (NM_133432.3); c.79451A>C, p.Tyr26484Ser (NM_133437.4); short protein forms Y26417S, Y26484S, Y32789S, Y35357S, Y26292S, Y33716S.
Identifiers: ClinVar variation 1994079 (VCV001994079.4), dbSNP rs2468374195, ClinGen allele CA349407102.